The following is an entry in ClinVar:

NM_000528.4(MAN2B1):c.2174G>A (p.Trp725Ter)

Gene: MAN2B1 (mannosidase alpha class 2B member 1; minus strand). Cytogenetic location: 19p13.13.
Variant type: single nucleotide variant.
Coding change: c.2174G>A on transcript NM_000528.4 (MANE Select); coding-DNA position 2174, G replaced by A.
Protein change: p.Trp725Ter; replaces tryptophan 725 with a stop codon.
Molecular consequence: nonsense.
Genome position (GRCh38, 1-based): chr19:12,650,006, C>T on the plus strand (G>A on the coding strand, the complement: MAN2B1 is on the minus strand). VCF-style: chr19-12650006-C-T. GRCh37 (hg19) VCF-style: chr19-12760820-C-T.
Other names: c.2171G>A, p.Trp724Ter (NM_001173498.2); short protein forms W724*, W725*.
Identifiers: ClinVar variation 983956 (VCV000983956.7), dbSNP rs2023804275, ClinGen allele CA404242960.

ClinVar aggregate classification (germline): Pathogenic/Likely pathogenic. Review status: criteria provided, multiple submitters, no conflicts (2 of 4 stars). 2 submissions from 2 submitters: Pathogenic (1); Likely pathogenic (1). Last evaluated 2022-08-02.

Conditions:
Deficiency of alpha-mannosidase (MANSA). Also called: Mannosidosis, alpha-, types I and II; Alpha-Mannosidosis; LYSOSOMAL ALPHA-D-MANNOSIDASE DEFICIENCY. Identifiers: Orphanet 61, MedGen C0024748, MONDO:0009561, OMIM 248500.

Submissions (2):

Labcorp Genetics (formerly Invitae), Labcorp
Classification: Pathogenic for Deficiency of alpha-mannosidase. Last evaluated: 2022-08-02. Review status: criteria provided, single submitter. Criteria: Invitae Variant Classification Sherloc (09022015). Collection method: clinical testing. Allele origin: germline.
Comment: This sequence change creates a premature translational stop signal (p.Trp725*) in the MAN2B1 gene. It is expected to result in an absent or disrupted protein product. Loss-of-function variants in MAN2B1 are known to be pathogenic (PMID: 9915946, 22161967). For these reasons, this variant has been classified as Pathogenic. ClinVar contains an entry for this variant (Variation ID: 983956). This variant has not been reported in the literature in individuals affected with MAN2B1-related conditions. This variant is not present in population databases (gnomAD no frequency).

Myriad Genetics, Inc.
Classification: Likely pathogenic for Deficiency of alpha-mannosidase. Last evaluated: 2019-06-25. Review status: criteria provided, single submitter. Criteria: Myriad Women's Health Autosomal Recessive and X-Linked Classification Criteria (2019). Collection method: clinical testing. Allele origin: unknown.
Comment: NM_000528.3(MAN2B1):c.2174G>A(W725*) is expected to be pathogenic in the context of alpha-mannosidosis. This variant is predicted to lead to an abnormal or absent protein product due to the creation of a premature termination codon in MAN2B1, a gene where loss-of-function variants are known to be pathogenic. Please note: this variant was assessed in the context of healthy population screening.

Literature cited by the submitters: PubMed 9915946 (cited by Labcorp Genetics (formerly Invitae), Labcorp); PubMed 22161967 (cited by Labcorp Genetics (formerly Invitae), Labcorp).